The following is an entry in ClinVar:

NM_000393.5(COL5A2):c.1117A>T (p.Ile373Leu)

Gene: COL5A2 (collagen type V alpha 2 chain; minus strand). Cytogenetic location: 2q32.2.
Variant type: single nucleotide variant.
Coding change: c.1117A>T on transcript NM_000393.5 (MANE Select); coding-DNA position 1117, A replaced by T.
Protein change: p.Ile373Leu; replaces isoleucine 373 with leucine.
Molecular consequence: missense variant.
Genome position (GRCh38, 1-based): chr2:189,072,081, T>A on the plus strand (A>T on the coding strand, the complement: COL5A2 is on the minus strand). VCF-style: chr2-189072081-T-A. GRCh37 (hg19) VCF-style: chr2-189936807-T-A.
Other names: short protein forms I373L.
Identifiers: ClinVar variation 4526066 (VCV004526066.1).
Genomic context (GRCh38, chr2:189,072,081, plus strand): 5'-ATTAACATTAACATCTTACCTTCATTCCAGGATTTCCTGGAAAACCAGAAGAGCCTGGTA[T>A]CCCAAGAGGACCCTATTAAAAGAAACCAGAAAAGTAATCAGACATGTATTCAATTAGTAT-3'
Protein context (NP_000384.2, residues 363-383): GKPGPMGPLG[Ile373Leu]PGSSGFPGNP

ClinVar aggregate classification (germline): Uncertain significance (1 of 4 stars; one submission).

gnomAD v4.1: 2 of 1,608,546 alleles (0.00012%); highest among the groups gnomAD compares: Non-Finnish European, 0.00017%; no homozygotes.

Submission:

Women's Health and Genetics/Laboratory Corporation of America, LabCorp
Classification: Uncertain significance. Last evaluated: 2025-07-09. Review status: criteria provided, single submitter. Criteria: LabCorp Variant Classification Summary - May 2015. Collection method: clinical testing. Allele origin: germline.
Comment: Variant summary: COL5A2 c.1117A>T (p.Ile373Leu) results in a conservative amino acid change in the encoded protein sequence. Algorithms developed to predict the effect of missense changes on protein structure and function are either unavailable or do not agree on the potential impact of this missense change. The variant allele was found at a frequency of 4e-06 in 247216 control chromosomes. The available data on variant occurrences in the general population are insufficient to allow any conclusion about variant significance. To our knowledge, no occurrence of c.1117A>T in individuals affected with Ehlers-Danlos syndrome, classic type, 2 and no experimental evidence demonstrating its impact on protein function have been reported. No submitters have cited clinical-significance assessments for this variant to ClinVar. Based on the evidence outlined above, the variant was classified as uncertain significance.